The following is an entry in ClinVar:

ClinVar aggregate classification (germline): Uncertain significance (1 of 4 stars; one submission).

Conditions:
Primary ciliary dyskinesia. Also called: Ciliary dyskinesia. Identifiers: Orphanet 244, MedGen C0008780, MONDO:0016575, HP:0012265.

Allele frequency attached by ClinVar (database versions not stated): gnomAD exomes 0.00005 and 0.00010; TOPMed 0.00005; ExAC 0.00011.

Submission:

Labcorp Genetics (formerly Invitae), Labcorp
Classification: Uncertain significance for Primary ciliary dyskinesia. Last evaluated: 2021-08-24. Review status: criteria provided, single submitter. Criteria: Invitae Variant Classification Sherloc (09022015). Collection method: clinical testing. Allele origin: germline.
Comment: This sequence change replaces alanine with valine at codon 388 of the ZMYND10 protein (p.Ala388Val). The alanine residue is moderately conserved and there is a small physicochemical difference between alanine and valine. This variant is present in population databases (rs761329132, ExAC 0.1%). This variant has not been reported in the literature in individuals affected with ZMYND10-related conditions. Algorithms developed to predict the effect of missense changes on protein structure and function (SIFT, PolyPhen-2, Align-GVGD) all suggest that this variant is likely to be tolerated. In summary, the available evidence is currently insufficient to determine the role of this variant in disease. Therefore, it has been classified as a Variant of Uncertain Significance.

NM_015896.4(ZMYND10):c.1163C>T (p.Ala388Val)

Gene: ZMYND10 (zinc finger MYND-type containing 10; minus strand). Cytogenetic location: 3p21.31.
Variant type: single nucleotide variant.
Coding change: c.1163C>T on transcript NM_015896.4 (MANE Select); coding-DNA position 1163, C replaced by T.
Protein change: p.Ala388Val; replaces alanine 388 with valine.
Molecular consequence: missense variant.
Genome position (GRCh38, 1-based): chr3:50,341,658, G>A on the plus strand (C>T on the coding strand, the complement: ZMYND10 is on the minus strand). VCF-style: chr3-50341658-G-A. GRCh37 (hg19) VCF-style: chr3-50379089-G-A.
Other names: c.1148C>T, p.Ala383Val (NM_001308379.2); short protein forms A388V, A383V.
Identifiers: ClinVar variation 410631 (VCV000410631.2), dbSNP rs761329132, ClinGen allele CA2416964.
Genomic context (GRCh38, chr3:50,341,658, plus strand): 5'-CATCGTGAGCAGCGCTTAGAAGCCTCTGCACTGCAGTAAGCACAGCGGGGCCGCTCTGGA[G>A]CCACTGCCTCTAGCACATCCAGCCTGTAGGTCTCAGCCCACCTGGGGGAAAGTCAGGAAG-3'
Protein context (NP_056980.2, residues 378-398): TYRLDVLEAV[Ala388Val]PERPRCAYCS